The following is an entry in ClinVar:

ClinVar aggregate classification (germline): Likely benign (1 of 4 stars; one submission).

Allele frequency attached by ClinVar (database versions not stated): 1000 Genomes Project 30x 0.02733; 1000 Genomes Project 0.02895; gnomAD 0.03261 and 0.03301; TOPMed 0.03425.
gnomAD v4.1: 5,049 of 152,140 alleles (3.3%); highest among the groups gnomAD compares: South Asian, 4.5%; 109 homozygotes.

Submission:

GeneDx
Classification: Likely benign. Last evaluated: 2018-06-19. Review status: criteria provided, single submitter. Criteria: GeneDx Variant Classification (06012015). Collection method: clinical testing. Allele origin: germline. Affected: yes.
Comment: This variant is considered likely benign or benign based on one or more of the following criteria: it is a conservative change, it occurs at a poorly conserved position in the protein, it is predicted to be benign by multiple in silico algorithms, and/or has population frequency not consistent with disease.

NM_014141.6(CNTNAP2):c.1499-293A>G

Gene: CNTNAP2 (contactin associated protein 2; plus strand). Cytogenetic location: 7q35.
Variant type: single nucleotide variant.
Coding change: c.1499-293A>G on transcript NM_014141.6 (MANE Select); 293 bases into the intron before coding-DNA position 1499, A replaced by G.
Molecular consequence: intron variant.
Genome position (GRCh38, 1-based): chr7:147,395,316, A>G. VCF-style: chr7-147395316-A-G. GRCh37 (hg19) VCF-style: chr7-147092408-A-G.
Identifiers: ClinVar variation 668909 (VCV000668909.1), dbSNP rs73475245, ClinGen allele CA168723918.